The following is an entry in ClinVar:

NM_032638.5(GATA2):c.1232C>T (p.Ala411Val)

Gene: GATA2 (GATA binding protein 2; minus strand). Cytogenetic location: 3q21.3.
Variant type: single nucleotide variant.
Coding change: c.1232C>T on transcript NM_032638.5 (MANE Select); coding-DNA position 1232, C replaced by T.
Protein change: p.Ala411Val; replaces alanine 411 with valine.
Molecular consequence: missense variant.
Genome position (GRCh38, 1-based): chr3:128,481,230, G>A on the plus strand (C>T on the coding strand, the complement: GATA2 is on the minus strand). VCF-style: chr3-128481230-G-A. GRCh37 (hg19) VCF-style: chr3-128200073-G-A.
Other names: c.1232C>T, p.Ala411Val (NM_001145661.2); c.1190C>T, p.Ala397Val (NM_001145662.1); short protein forms A411V, A397V.
Identifiers: ClinVar variation 472438 (VCV000472438.17), dbSNP rs374457534, ClinGen allele CA2599816.

ClinVar aggregate classification (germline): Conflicting classifications of pathogenicity. Review status: criteria provided, conflicting classifications (1 of 4 stars). 7 submissions from 7 submitters: Uncertain significance (5); Likely benign (2). Last evaluated 2025-11-04.

Conditions:
Inborn genetic diseases. Identifiers: MedGen C0950123, MeSH D030342.
Deafness-lymphedema-leukemia syndrome. Also called: Emberger syndrome; Lymphedema, primary, with myelodysplasia. Identifiers: Orphanet 3226, MedGen C3279664, MONDO:0013540, OMIM 614038.
Monocytopenia with susceptibility to infections. Also called: IMMUNODEFICIENCY 21; GATA2 DEFICIENCY; MONOCYTOPENIA AND MYCOBACTERIAL INFECTION SYNDROME; MONOCYTOPENIA WITH SUSCEPTIBILITY TO MYCOBACTERIAL, FUNGAL, AND PAPILLOMAVIRUS INFECTIONS AND MYELODYSPLASIA; COMBINED IMMUNODEFICIENCY WITH SUSCEPTIBILITY TO MYCOBACTERIAL, VIRAL, AND FUNGAL INFECTIONS; Dendritic cell, monocyte, B lymphocyte, and natural killer lymphocyte deficiency. Identifiers: Orphanet 228423, MedGen C3280030, MONDO:0013607, OMIM 614172.
Myelodysplastic syndrome (MDS). Also called: Myelodysplastic syndrome, somatic; Myelodysplastic syndromes; MYELODYSPLASTIC SYNDROME, SUSCEPTIBILITY TO. Identifiers: Orphanet 52688, MedGen C3463824, MeSH D009190, MONDO:0018881, OMIM 614286.
Acute myeloid leukemia (AML). Also called: Leukemia, acute myeloid, somatic; Leukemia, acute myelogenous, somatic; Acute myeloid leukemia, adult; AML adult; Acute non-lymphocytic leukemia; Acute granulocytic leukemia. Identifiers: Orphanet 519, MedGen C0023467, MeSH D015470, MONDO:0018874, OMIM 601626, HP:0004808. Disease mechanism: Constitutively activated FLT3.
Hereditary cancer-predisposing syndrome. Also called: Neoplastic Syndromes, Hereditary; Hereditary neoplastic syndrome; Hereditary Cancer Syndrome; Tumor predisposition. Identifiers: Orphanet 140162, MedGen C0027672, MeSH D009386, MONDO:0015356.

Allele frequency attached by ClinVar (database versions not stated): gnomAD 0.00001; TOPMed 0.00001; gnomAD exomes 0.00005 and 0.00006; ExAC 0.00008; ESP Exome Variant Server 0.00008.
gnomAD v4.1: 76 of 1,614,094 alleles (0.0047%); highest among the groups gnomAD compares: Non-Finnish European, 0.0048%; no homozygotes.

Submissions (7):

Labcorp Genetics (formerly Invitae), Labcorp
Classification: Uncertain significance for Monocytopenia with susceptibility to infections; Deafness-lymphedema-leukemia syndrome. Last evaluated: 2025-11-04. Review status: criteria provided, single submitter. Criteria: Invitae Variant Classification Sherloc (09022015). Collection method: clinical testing. Allele origin: germline.
Comment: This sequence change replaces alanine, which is neutral and non-polar, with valine, which is neutral and non-polar, at codon 411 of the GATA2 protein (p.Ala411Val). This variant is present in population databases (rs374457534, gnomAD 0.01%). This variant has not been reported in the literature in individuals affected with GATA2-related conditions. ClinVar contains an entry for this variant (Variation ID: 472438). Invitae Evidence Modeling of protein sequence and biophysical properties (such as structural, functional, and spatial information, amino acid conservation, physicochemical variation, residue mobility, and thermodynamic stability) has been performed for this missense variant. However, the output from this modeling did not meet the statistical confidence thresholds required to predict the impact of this variant on GATA2 protein function. In summary, the available evidence is currently insufficient to determine the role of this variant in disease. Therefore, it has been classified as a Variant of Uncertain Significance.

Ambry Genetics
Classification: Likely benign for Inborn genetic diseases. Last evaluated: 2024-08-20. Review status: criteria provided, single submitter. Criteria: Ambry Variant Classification Scheme 2023. Collection method: clinical testing. Allele origin: germline.

Blueprint Genetics
Classification: Likely benign. Last evaluated: 2024-03-03. Review status: criteria provided, single submitter. Criteria: ACMG Guidelines, 2015. Collection method: clinical testing. Allele origin: germline.

Baylor Genetics
Classification: Uncertain significance for Acute myeloid leukemia. Last evaluated: 2023-09-13. Review status: criteria provided, single submitter. Criteria: ACMG Guidelines, 2015. Collection method: clinical testing. Allele origin: unknown.

GeneDx
Classification: Uncertain significance. Last evaluated: 2023-04-24. Review status: criteria provided, single submitter. Criteria: GeneDx Variant Classification Process June 2021. Collection method: clinical testing. Allele origin: germline. Affected: yes.
Comment: In silico analysis supports that this missense variant does not alter protein structure/function; Has not been previously published as pathogenic or benign to our knowledge

Fulgent Genetics
Classification: Uncertain significance for Acute myeloid leukemia; Deafness-lymphedema-leukemia syndrome; Monocytopenia with susceptibility to infections; Myelodysplastic syndrome. Last evaluated: 2022-04-16. Review status: criteria provided, single submitter. Criteria: ACMG Guidelines, 2015. Collection method: clinical testing. Allele origin: unknown.

Sema4
Classification: Uncertain significance for Hereditary cancer-predisposing syndrome. Last evaluated: 2021-08-26. Review status: criteria provided, single submitter. Criteria: Sema4 Curation Guidelines. Collection method: curation. Allele origin: germline.
Comment: The GATA2 c.1232C>T (p.A411V) variant has not been reported in the literature to our knowledge. It was observed in 16/251460 chromosomes across all populations in the Genome Aggregation Database, with no homozygotes (PMID: 32461654). The variant has been reported in ClinVar (Variation ID 472438). Functional studies have not been performed and in silico predictions of the variant's effect on protein function are inconclusive. The evidence is insufficient to meet ACMG/AMP criteria for classifying the variant as benign or pathogenic. Thus, the clinical significance of this variant is currently uncertain.